The following is an entry in ClinVar:

NC_000023.10:g.(?_77150786)_(77151023_?)dup

Gene: MAGT1 (magnesium transporter 1; minus strand). Cytogenetic location: Xq21.1.
Variant type: Duplication.
Identifiers: ClinVar variation 831917 (VCV000831917.1).

ClinVar aggregate classification (germline): Uncertain significance (1 of 4 stars; one submission).

Conditions:
X-linked immunodeficiency with magnesium defect, Epstein-Barr virus infection and neoplasia. Identifiers: Orphanet 317476, MedGen C3275445, MONDO:0010455, OMIM 300853.

Submission:

Labcorp Genetics (formerly Invitae), Labcorp
Classification: Uncertain significance for Immunodeficiency, X-Linked, with magnesium defect, Epstein-Barr virus infection, and neoplasia. Last evaluated: 2019-10-21. Review status: criteria provided, single submitter. Criteria: Invitae Variant Classification Sherloc (09022015). Collection method: clinical testing. Allele origin: germline.
Comment: This variant results in a copy number gain of the genomic region encompassing exon 1 of the MAGT1 gene, which includes the initiator codon. The 5' end of this event is unknown as it extends beyond the assayed region for this gene and therefore may encompass additional genes. The 3' boundary is likely confined to intron 1 of the MAGT1 gene. As the precise location of this event is unknown, it may be in tandem or it may be located elsewhere in the genome. This variant has not been reported in the literature in individuals with MAGT1-related conditions. Experimental studies and prediction algorithms are not available or were not evaluated, and the functional significance of this variant is currently unknown. In summary, the available evidence is currently insufficient to determine the role of this variant in disease. Therefore, it has been classified as a Variant of Uncertain Significance.